The following is an entry in ClinVar:

ClinVar aggregate classification (germline): Uncertain significance. Review status: criteria provided, multiple submitters, no conflicts (2 of 4 stars). 2 submissions from 2 submitters: Uncertain significance (2). Last evaluated 2025-12-21.

Allele frequency attached by ClinVar (database versions not stated): ExAC 0.00002; TOPMed 0.00004; gnomAD 0.00006; ESP Exome Variant Server 0.00015; 1000 Genomes Project 30x 0.00016; 1000 Genomes Project 0.00020.
gnomAD v4.1: 13 of 1,614,006 alleles (0.00081%); highest among the groups gnomAD compares: African/African-American, 0.017%; no homozygotes.

Submissions (2):

Labcorp Genetics (formerly Invitae), Labcorp
Classification: Uncertain significance. Last evaluated: 2025-12-21. Review status: criteria provided, single submitter. Criteria: Invitae Variant Classification Sherloc (09022015). Collection method: clinical testing. Allele origin: germline.
Comment: This sequence change replaces isoleucine, which is neutral and non-polar, with threonine, which is neutral and polar, at codon 447 of the SLCO5A1 protein (p.Ile447Thr). This variant is present in population databases (rs374877005, gnomAD 0.01%). This variant has not been reported in the literature in individuals affected with SLCO5A1-related conditions. ClinVar contains an entry for this variant (Variation ID: 1419550). An algorithm developed to predict the effect of missense changes on protein structure and function (PolyPhen-2) suggests that this variant is likely to be tolerated. In summary, the available evidence is currently insufficient to determine the role of this variant in disease. Therefore, it has been classified as a Variant of Uncertain Significance.

Ambry Genetics
Classification: Uncertain significance. Last evaluated: 2024-01-04. Review status: criteria provided, single submitter. Criteria: Ambry Variant Classification Scheme 2023. Collection method: clinical testing. Allele origin: germline.

NM_030958.3(SLCO5A1):c.1340T>C (p.Ile447Thr)

Gene: SLCO5A1 (solute carrier organic anion transporter family member 5A1; minus strand). Cytogenetic location: 8q13.3.
Variant type: single nucleotide variant.
Coding change: c.1340T>C on transcript NM_030958.3 (MANE Select); coding-DNA position 1340, T replaced by C.
Protein change: p.Ile447Thr; replaces isoleucine 447 with threonine.
Molecular consequence: missense variant. On other transcripts: intron variant (1).
Genome position (GRCh38, 1-based): chr8:69,738,123, A>G on the plus strand (T>C on the coding strand, the complement: SLCO5A1 is on the minus strand). VCF-style: chr8-69738123-A-G. GRCh37 (hg19) VCF-style: chr8-70650358-A-G.
Other names: c.1258+17301T>C (NM_001146009.1); c.1340T>C, p.Ile447Thr (NM_001146008.2); c.1340T>C (NM_030958.2); short protein forms I447T.
Identifiers: ClinVar variation 1419550 (VCV001419550.7), dbSNP rs374877005, ClinGen allele CA4776601.